The following is an entry in ClinVar:

NR_003051.4(RMRP):n.223G>C

Gene: RMRP (RNA component of mitochondrial RNA processing endoribonuclease; minus strand). Cytogenetic location: 9p13.3.
Variant type: single nucleotide variant.
Genome position: GRCh38 VCF-style: chr9-35657797-C-G. GRCh37 (hg19) VCF-style: chr9-35657794-C-G.
Identifiers: ClinVar variation 837718 (VCV000837718.5), dbSNP rs924622406, ClinGen allele CA192745560.
Genomic context (GRCh38, chr9:35,657,797, plus strand): 5'-CTCGGGAACAAAAAACAGCCGCGCTGAGAATGAGCCCCGTGTGGTTGGTGCGCGGACACG[C>G]ACTGCCTGCGTAACTAGAGGGAGCTGACGGATGACGCCCCCGCGCCACGCCGCTCAGCGG-3'

ClinVar aggregate classification (germline): Uncertain significance. Review status: criteria provided, single submitter (1 of 4 stars). 2 submissions from 2 submitters: Uncertain significance (1). 1 of the submissions does not count toward it. Last evaluated 2022-09-06.

Conditions:
Metaphyseal chondrodysplasia, McKusick type (CHH). Also called: Cartilage-hair hypoplasia; Cartilage-Hair Hypoplasia (CHH). Identifiers: Orphanet 175, MedGen C0220748, MONDO:0009595, OMIM 250250.
Anauxetic dysplasia. Identifiers: Orphanet 93347, MedGen C1846796, MONDO:0011773.

Allele frequency attached by ClinVar (database versions not stated): TOPMed 0.00013.
gnomAD v4.1: 15 of 699,852 alleles (0.0021%); highest among the groups gnomAD compares: African/African-American, 0.019%; no homozygotes.

Submissions (2):

Labcorp Genetics (formerly Invitae), Labcorp
Classification: Uncertain significance for Anauxetic dysplasia. Last evaluated: 2022-09-06. Review status: criteria provided, single submitter. Criteria: Invitae Variant Classification Sherloc (09022015). Collection method: clinical testing. Allele origin: germline.
Comment: This variant occurs in the RMRP gene, which encodes an RNA molecule that does not result in a protein product. This variant is present in population databases (no rsID available, gnomAD 0.03%). This variant has not been reported in the literature in individuals affected with RMRP-related conditions. ClinVar contains an entry for this variant (Variation ID: 837718). Experimental studies and prediction algorithms are not available or were not evaluated, and the functional significance of this variant is currently unknown. In summary, the available evidence is currently insufficient to determine the role of this variant in disease. Therefore, it has been classified as a Variant of Uncertain Significance.

Natera, Inc.
Classification: Uncertain significance for Cartilage-hair hypoplasia. Last evaluated: 2020-12-30. Review status: no assertion criteria provided. Collection method: clinical testing. Allele origin: germline. Not counted in ClinVar's aggregate classification.